The following is an entry in ClinVar:

ClinVar aggregate classification (germline): Uncertain significance. Review status: criteria provided, multiple submitters, no conflicts (2 of 4 stars). 5 submissions from 5 submitters: Uncertain significance (3). 2 of the submissions do not count toward it. Last evaluated 2024-06-05.

Conditions:
Primary hyperoxaluria, type I (HP1). Also called: GLYCOLIC ACIDURIA; HEPATIC AGT DEFICIENCY; OXALOSIS I; Primary hyperoxaluria type 1. Identifiers: Orphanet 416, Orphanet 93598, MedGen C0268164, MONDO:0009823, OMIM 259900. Disease mechanism: loss of function.

Allele frequency attached by ClinVar (database versions not stated): gnomAD exomes 0.00004; ESP Exome Variant Server 0.00008; TOPMed 0.00014; ExAC 0.00015.
gnomAD v4.1: 39 of 1,600,214 alleles (0.0024%); highest among the groups gnomAD compares: African/African-American, 0.0054%; 1 homozygote.

Submissions (5):

Fulgent Genetics
Classification: Uncertain significance for Primary hyperoxaluria, type I. Last evaluated: 2024-06-05. Review status: criteria provided, single submitter. Criteria: ACMG Guidelines, 2015. Collection method: clinical testing. Allele origin: germline.

Labcorp Genetics (formerly Invitae), Labcorp
Classification: Uncertain significance. Last evaluated: 2021-08-24. Review status: criteria provided, single submitter. Criteria: Invitae Variant Classification Sherloc (09022015). Collection method: clinical testing. Allele origin: germline.
Comment: This sequence change replaces valine with methionine at codon 162 of the AGXT protein (p.Val162Met). The valine residue is moderately conserved and there is a small physicochemical difference between valine and methionine. This variant is present in population databases (rs147497484, ExAC 0.06%). This variant has not been reported in the literature in individuals affected with AGXT-related conditions. ClinVar contains an entry for this variant (Variation ID: 335295). Advanced modeling of protein sequence and biophysical properties (such as structural, functional, and spatial information, amino acid conservation, physicochemical variation, residue mobility, and thermodynamic stability) performed at Invitae indicates that this missense variant is expected to disrupt AGXT protein function. In summary, the available evidence is currently insufficient to determine the role of this variant in disease. Therefore, it has been classified as a Variant of Uncertain Significance.

Illumina Laboratory Services, Illumina
Classification: Uncertain significance for Primary hyperoxaluria, type I. Last evaluated: 2018-01-13. Review status: criteria provided, single submitter. Criteria: ICSL Variant Classification Criteria 13 December 2019. Collection method: clinical testing. Allele origin: germline.

Chinese Inherited Urolithiasis Consortium, The Affiliated Yantai Yuhuangding Hospital of Qingdao University
Classification: Likely pathogenic for Primary hyperoxaluria, type I. Last evaluated: 2024-08-26. Review status: no assertion criteria provided. Collection method: clinical testing. Allele origin: maternal. Affected: yes. Observed: 1 variant allele. Not counted in ClinVar's aggregate classification.

Natera, Inc.
Classification: Uncertain significance for Primary hyperoxaluria type I. Last evaluated: 2019-10-28. Review status: no assertion criteria provided. Collection method: clinical testing. Allele origin: germline. Not counted in ClinVar's aggregate classification.

NM_000030.3(AGXT):c.484G>A (p.Val162Met)

Gene: AGXT (alanine--glyoxylate aminotransferase; plus strand). Cytogenetic location: 2q37.3.
Variant type: single nucleotide variant.
Coding change: c.484G>A on transcript NM_000030.3 (MANE Select); coding-DNA position 484, G replaced by A.
Protein change: p.Val162Met; replaces valine 162 with methionine.
Molecular consequence: missense variant.
Genome position (GRCh38, 1-based): chr2:240,871,409, G>A. VCF-style: chr2-240871409-G-A. GRCh37 (hg19) VCF-style: chr2-241810826-G-A.
Other names: short protein forms V162M.
Identifiers: ClinVar variation 335295 (VCV000335295.16), dbSNP rs147497484, ClinGen allele CA2209101.